The following is an entry in ClinVar:

NM_000093.5(COL5A1):c.655-2A>T

Gene: COL5A1 (collagen type V alpha 1 chain; plus strand). Cytogenetic location: 9q34.3.
Variant type: single nucleotide variant.
Coding change: c.655-2A>T on transcript NM_000093.5 (MANE Select); the canonical splice acceptor site of the intron before coding-DNA position 655, A replaced by T.
Molecular consequence: splice acceptor variant.
Genome position (GRCh38, 1-based): chr9:134,727,264, A>T. VCF-style: chr9-134727264-A-T. GRCh37 (hg19) VCF-style: chr9-137619110-A-T.
Other names: c.655-2A>T (NM_001278074.1).
Identifiers: ClinVar variation 1702222 (VCV001702222.8), dbSNP rs786205101, ClinGen allele CA375446172.
Genomic context (GRCh38, chr9:134,727,264, plus strand): 5'-TCCCAGGTCCCCATGCGAGTGCTCTGTGAGCTGCTTTTTCATGAGCGTCTCTTCTTTTCC[A>T]GGGTGACATCCAGCAGCTGCTCTTTGTCTCGGACCACCGGGCAGCTTATGATTACTGTGA-3'

ClinVar aggregate classification (germline): Likely pathogenic. Review status: criteria provided, multiple submitters, no conflicts (2 of 4 stars). 3 submissions from 3 submitters: Likely pathogenic (3). Last evaluated 2023-11-10.

Conditions:
Ehlers-Danlos syndrome (EDS). Identifiers: Orphanet 98249, MedGen C0013720, MONDO:0020066.
Familial thoracic aortic aneurysm and aortic dissection (TAAD). Also called: Thoracic aortic aneurysms and dissections. Identifiers: Orphanet 91387, MedGen C4707243, MONDO:0019625.
Ehlers-Danlos syndrome, classic type, 1 (EDSCL1). Also called: EDS I; Ehlers-Danlos syndrome, type 1; EHLERS-DANLOS SYNDROME, GRAVIS TYPE; EHLERS-DANLOS SYNDROME, SEVERE CLASSIC TYPE; Ehlers-Danlos Syndrome, Classic Type, COL5A1-Related. Identifiers: MedGen C0268335, MONDO:0019567, OMIM 130000.

Submissions (3):

Labcorp Genetics (formerly Invitae), Labcorp
Classification: Likely pathogenic for Ehlers-Danlos syndrome, classic type, 1. Last evaluated: 2023-11-10. Review status: criteria provided, single submitter. Criteria: Invitae Variant Classification Sherloc (09022015). Collection method: clinical testing. Allele origin: germline.
Comment: This sequence change affects an acceptor splice site in intron 4 of the COL5A1 gene. RNA analysis indicates that disruption of this splice site induces altered splicing and likely results in a shortened protein product. This variant is not present in population databases (gnomAD no frequency). Disruption of this splice site has been observed in individuals with Ehlers-Danlos syndrome (PMID: 12145749, 34265140). ClinVar contains an entry for this variant (Variation ID: 1702222). Studies have shown that disruption of this splice site results in skipping of exons 5-6, but is expected to preserve the integrity of the reading-frame (PMID: 12145749). In summary, the currently available evidence indicates that the variant is pathogenic, but additional data are needed to prove that conclusively. Therefore, this variant has been classified as Likely Pathogenic.

Ambry Genetics
Classification: Likely pathogenic for Familial thoracic aortic aneurysm and aortic dissection. Last evaluated: 2020-06-02. Review status: criteria provided, single submitter. Criteria: Ambry Variant Classification Scheme 2023. Collection method: clinical testing. Allele origin: germline.
Comment: The c.655-2A>T intronic variant results from an A to T substitution two nucleotides upstream from coding exon 5 in the COL5A1 gene. An alternate nucleotide change at this position (c.655-2A>G) was reported in an individual with classical Ehlers-Danlos syndrome (EDS), and RT-PCR showed exon skipping that results in the loss of the BMP-1 cleavage site for the PARP domain (Takahara K et al. Am. J. Hum. Genet., 2002 Sep;71:451-65). This nucleotide position is highly conserved in available vertebrate species. Using the BDGP and ESEfinder splice site prediction tools, this alteration is predicted to abolish the native splice acceptor site; however, direct evidence is unavailable. Alterations that disrupt the canonical splice site are expected to cause aberrant splicing, resulting in an abnormal protein or a transcript that is subject to nonsense-mediated mRNA decay. As such, this alteration is classified as likely pathogenic.

Genome Diagnostics Laboratory, The Hospital for Sick Children
Classification: Likely pathogenic for Ehlers-Danlos syndrome. Last evaluated: 2019-03-14. Review status: criteria provided, single submitter. Criteria: ACMG Guidelines, 2015. Collection method: clinical testing. Allele origin: germline.

Literature cited by the submitters: PubMed 12145749 (cited by Labcorp Genetics (formerly Invitae), Labcorp and Ambry Genetics); PubMed 34265140 (cited by Labcorp Genetics (formerly Invitae), Labcorp).